The following is an entry in ClinVar:

ClinVar aggregate classification (germline): Uncertain significance (1 of 4 stars; one submission).

Submission:

Labcorp Genetics (formerly Invitae), Labcorp
Classification: Uncertain significance. Last evaluated: 2022-10-17. Review status: criteria provided, single submitter. Criteria: Invitae Variant Classification Sherloc (09022015). Collection method: clinical testing. Allele origin: germline.
Comment: Information on the frequency of this variant in the gnomAD database is not available, as this variant may be reported differently in the database. This sequence change replaces threonine, which is neutral and polar, with proline, which is neutral and non-polar, at codon 20 of the TSPEAR protein (p.Thr20Pro). This variant has not been reported in the literature in individuals affected with TSPEAR-related conditions. In summary, the available evidence is currently insufficient to determine the role of this variant in disease. Therefore, it has been classified as a Variant of Uncertain Significance. Experimental studies and prediction algorithms are not available or were not evaluated, and the functional significance of this variant is currently unknown.

NM_144991.3(TSPEAR):c.57_58delinsGC (p.Thr20Pro)

Gene: TSPEAR (thrombospondin type laminin G domain and EAR repeats; minus strand). Cytogenetic location: 21q22.3.
Variant type: Indel.
Coding change: c.57_58delinsGC on transcript NM_144991.3 (MANE Select); coding-DNA positions 57 to 58, CA replaced by GC.
Protein change: p.Thr20Pro; replaces threonine 20 with proline.
Molecular consequence: missense variant. On other transcripts: 5 prime UTR variant (1).
Genome position (GRCh38, 1-based): chr21:44,711,457-44,711,458, TG replaced by GC on the plus strand (CA replaced by GC on the coding strand, the reverse complement: TSPEAR is on the minus strand). VCF-style: chr21-44711457-TG-GC. GRCh37 (hg19) VCF-style: chr21-46131372-TG-GC.
Other names: c.-210_-209delinsGC (NM_001272037.2); short protein forms T20P.
Identifiers: ClinVar variation 2072988 (VCV002072988.4), dbSNP rs2517758004, ClinGen allele CA2580098827.
Genomic context (GRCh38, chr21:44,711,457, plus strand): 5'-GATACCCCCGCCCGAGTTCCCATGCCCCTGCCTTACCTGTGCAGGGCTCCCAACCCTGCG[TG>GC]CCGTGGCCGGGGGCCGCCAGGGGCAGCACAAAACACAGACTCAGCAGGGCAGACATGAGG-3'
Protein context (NP_659428.2, residues 10-30): VLPLAAPGHG[Thr20Pro]QGWEPCTDLR